The following is an entry in ClinVar:

NM_005591.4(MRE11):c.1835T>A (p.Val612Glu)

Gene: MRE11 (MRE11 double strand break repair nuclease; minus strand). Cytogenetic location: 11q21.
Variant type: single nucleotide variant.
Coding change: c.1835T>A on transcript NM_005591.4 (MANE Select); coding-DNA position 1835, T replaced by A.
Protein change: p.Val612Glu; replaces valine 612 with glutamic acid.
Molecular consequence: missense variant. On other transcripts: intron variant (1).
Genome position (GRCh38, 1-based): chr11:94,445,842, A>T on the plus strand (T>A on the coding strand, the complement: MRE11 is on the minus strand). VCF-style: chr11-94445842-A-T. GRCh37 (hg19) VCF-style: chr11-94179008-A-T.
Other names: c.1832T>A, p.Val611Glu (NM_001330347.2); c.1783+1377T>A (NM_005590.4); short protein forms V611E, V612E.
Identifiers: ClinVar variation 1799894 (VCV001799894.2), dbSNP rs2496280152, ClinGen allele CA382366547.

ClinVar aggregate classification (germline): Uncertain significance (1 of 4 stars; one submission).

Conditions:
Hereditary cancer-predisposing syndrome. Also called: Neoplastic Syndromes, Hereditary; Tumor predisposition; Hereditary Cancer Syndrome; Hereditary neoplastic syndrome. Identifiers: Orphanet 140162, MedGen C0027672, MeSH D009386, MONDO:0015356.

Submission:

Ambry Genetics
Classification: Uncertain significance for Hereditary cancer-predisposing syndrome. Last evaluated: 2022-08-07. Review status: criteria provided, single submitter. Criteria: Ambry Variant Classification Scheme 2023. Collection method: clinical testing. Allele origin: germline.
Comment: The p.V612E variant (also known as c.1835T>A), located in coding exon 15 of the MRE11A gene, results from a T to A substitution at nucleotide position 1835. The valine at codon 612 is replaced by glutamic acid, an amino acid with dissimilar properties. This amino acid position is conserved. In addition, this alteration is predicted to be tolerated by in silico analysis. Since supporting evidence is limited at this time, the clinical significance of this alteration remains unclear.